The following is an entry in ClinVar:

ClinVar aggregate classification (germline): Uncertain significance (1 of 4 stars; one submission).

Allele frequency attached by ClinVar (database versions not stated): gnomAD exomes 0.00001.
gnomAD v4.1: 8 of 1,613,418 alleles (0.0005%); highest among the groups gnomAD compares: Non-Finnish European, 0.00059%; no homozygotes.

Submission:

Labcorp Genetics (formerly Invitae), Labcorp
Classification: Uncertain significance. Last evaluated: 2021-02-12. Review status: criteria provided, single submitter. Criteria: Invitae Variant Classification Sherloc (09022015). Collection method: clinical testing. Allele origin: germline.
Comment: In summary, the available evidence is currently insufficient to determine the role of this variant in disease. Therefore, it has been classified as a Variant of Uncertain Significance. Algorithms developed to predict the effect of missense changes on protein structure and function are either unavailable or do not agree on the potential impact of this missense change (SIFT: "Tolerated"; PolyPhen-2: "Possibly Damaging"; Align-GVGD: "Class C0"). This variant has not been reported in the literature in individuals with RNF31-related conditions. This variant is not present in population databases (ExAC no frequency). This sequence change replaces proline with leucine at codon 381 of the RNF31 protein (p.Pro381Leu). The proline residue is weakly conserved and there is a moderate physicochemical difference between proline and leucine.

NM_017999.5(RNF31):c.1142C>T (p.Pro381Leu)

Gene: RNF31 (ring finger protein 31; plus strand). Cytogenetic location: 14q12.
Variant type: single nucleotide variant.
Coding change: c.1142C>T on transcript NM_017999.5 (MANE Select); coding-DNA position 1142, C replaced by T.
Protein change: p.Pro381Leu; replaces proline 381 with leucine.
Molecular consequence: missense variant.
Genome position (GRCh38, 1-based): chr14:24,150,393, C>T. VCF-style: chr14-24150393-C-T. GRCh37 (hg19) VCF-style: chr14-24619602-C-T.
Other names: c.689C>T, p.Pro230Leu (NM_001310332.2); short protein forms P230L, P381L.
Identifiers: ClinVar variation 1406721 (VCV001406721.8), dbSNP rs1257776257, ClinGen allele CA389292209.
Genomic context (GRCh38, chr14:24,150,393, plus strand): 5'-TTGAGAATGAGGCAGCTGCTGTGCTATGTTCCATATGTGAGCGACCTCGGCTGGCCCAGC[C>T]TCCCAGCTTGGTGGTGGATTCCCGAGATGCTGGCATTTGCCTGCAACCCCTTCAGGTAAC-3'
Protein context (NP_060469.4, residues 371-391): SICERPRLAQ[Pro381Leu]PSLVVDSRDA